The following is an entry in ClinVar:

NM_001270974.2(HYDIN):c.131G>A (p.Arg44Gln)

Gene: HYDIN (HYDIN axonemal central pair apparatus protein; minus strand). Cytogenetic location: 16q22.2.
Variant type: single nucleotide variant.
Coding change: c.131G>A on transcript NM_001270974.2 (MANE Select); coding-DNA position 131, G replaced by A.
Protein change: p.Arg44Gln; replaces arginine 44 with glutamine.
Molecular consequence: missense variant.
Genome position (GRCh38, 1-based): chr16:71,186,765, C>T on the plus strand (G>A on the coding strand, the complement: HYDIN is on the minus strand). VCF-style: chr16-71186765-C-T. GRCh37 (hg19) VCF-style: chr16-71220668-C-T.
Other names: c.212G>A, p.Arg71Gln (NM_001198542.1); c.182G>A, p.Arg61Gln (NM_001198543.1); c.131G>A, p.Arg44Gln (NM_017558.5); short protein forms R44Q, R61Q, R71Q.
Identifiers: ClinVar variation 547951 (VCV000547951.34), dbSNP rs113448164, ClinGen allele CA8151690.

ClinVar aggregate classification (germline): Conflicting classifications of pathogenicity. Review status: criteria provided, conflicting classifications (1 of 4 stars). 6 submissions from 6 submitters: Uncertain significance (2); Likely benign (3). 1 of the submissions does not count toward it. Last evaluated 2025-09-01.

Conditions:
Primary ciliary dyskinesia 5. Also called: CILIARY DYSKINESIA, PRIMARY, 5, WITHOUT SITUS INVERSUS. Identifiers: Orphanet 244, MedGen C1837615, MONDO:0012088, OMIM 608647.
HYDIN-related disorder. Also called: HYDIN-related condition.

Allele frequency attached by ClinVar (database versions not stated): gnomAD exomes 0.00440 and 0.00349; 1000 Genomes Project 0.00060; 1000 Genomes Project 30x 0.00062; ExAC 0.00308; ESP Exome Variant Server 0.00308; gnomAD 0.00346 and 0.00384; TOPMed 0.00365.
gnomAD v4.1: 6,976 of 1,610,892 alleles (0.43%); highest among the groups gnomAD compares: Non-Finnish European, 0.48%; 28 homozygotes.

Submissions (6):

CeGaT Center for Human Genetics Tuebingen
Classification: Likely benign. Last evaluated: 2025-09-01. Review status: criteria provided, single submitter. Criteria: CeGaT Center For Human Genetics Tuebingen Variant Classification Criteria Version 2. Collection method: clinical testing. Allele origin: germline. Affected: yes. Observed: 4 variant alleles.
Comment: HYDIN: BP4, BS2

Blueprint Genetics
Classification: Likely benign. Last evaluated: 2024-11-26. Review status: criteria provided, single submitter. Criteria: ACMG Guidelines, 2015. Collection method: clinical testing. Allele origin: germline.

Genetics and Molecular Pathology, SA Pathology
Classification: Likely benign for Primary ciliary dyskinesia 5. Last evaluated: 2020-04-23. Review status: criteria provided, single submitter. Criteria: ACMG Guidelines, 2015. Collection method: clinical testing. Allele origin: germline. Affected: yes.

Mayo Clinic Laboratories, Mayo Clinic
Classification: Uncertain significance for Primary ciliary dyskinesia 5. Last evaluated: 2017-04-12. Review status: criteria provided, single submitter. Criteria: ACMG Guidelines, 2015. Collection method: clinical testing. Allele origin: paternal.

Breakthrough Genomics
Classification: Uncertain significance. Review status: criteria provided, single submitter. Criteria: ACMG Guidelines, 2015. Collection method: not provided. Allele origin: germline. Inheritance: Autosomal recessive inheritance. Affected: yes.

PreventionGenetics, part of Exact Sciences
Classification: Benign for HYDIN-related condition. Last evaluated: 2023-05-11. Review status: no assertion criteria provided. Collection method: clinical testing. Allele origin: germline. Not counted in ClinVar's aggregate classification.
Comment: This variant is classified as benign based on ACMG/AMP sequence variant interpretation guidelines (Richards et al. 2015 PMID: 25741868, with internal and published modifications).